The following is an entry in ClinVar:

NM_000057.4(BLM):c.3884G>C (p.Ser1295Thr)

Gene: BLM (BLM RecQ like helicase; plus strand). Cytogenetic location: 15q26.1.
Variant type: single nucleotide variant.
Coding change: c.3884G>C on transcript NM_000057.4 (MANE Select); coding-DNA position 3884, G replaced by C.
Protein change: p.Ser1295Thr; replaces serine 1295 with threonine.
Molecular consequence: missense variant.
Genome position (GRCh38, 1-based): chr15:90,811,214, G>C. VCF-style: chr15-90811214-G-C. GRCh37 (hg19) VCF-style: chr15-91354444-G-C.
Other names: c.3884G>C, p.Ser1295Thr (NM_001287246.2); c.3491G>C, p.Ser1164Thr (NM_001287247.2); c.2759G>C, p.Ser920Thr (NM_001287248.2); short protein forms S1164T, S920T, S1295T.
Identifiers: ClinVar variation 1735832 (VCV001735832.2), dbSNP rs2151199706, ClinGen allele CA393850395.
Genomic context (GRCh38, chr15:90,811,214, plus strand): 5'-ACGTGGACCAGTGCGACATCACCTGTAAACATCTGCATTTTCCATTTGTAGCTGAAGACA[G>C]TTCCCCAGGGATAAGCCTGTCCAGCAGCAGAGGCCCCGGAAGAAGTGCCGCTGAGGAGCT-3'
Protein context (NP_000048.1, residues 1285-1305): YSEWTSPAED[Ser1295Thr]SPGISLSSSR

ClinVar aggregate classification (germline): Uncertain significance (1 of 4 stars; one submission).

Conditions:
Hereditary cancer-predisposing syndrome. Also called: Neoplastic Syndromes, Hereditary; Tumor predisposition; Hereditary Cancer Syndrome; Hereditary neoplastic syndrome. Identifiers: Orphanet 140162, MedGen C0027672, MeSH D009386, MONDO:0015356.

Submission:

Ambry Genetics
Classification: Uncertain significance for Hereditary cancer-predisposing syndrome. Last evaluated: 2021-07-09. Review status: criteria provided, single submitter. Criteria: Ambry Variant Classification Scheme 2023. Collection method: clinical testing. Allele origin: germline.
Comment: The p.S1295T variant (also known as c.3884G>C), located in coding exon 20 of the BLM gene, results from a G to C substitution at nucleotide position 3884. The serine at codon 1295 is replaced by threonine, an amino acid with similar properties. This amino acid position is conserved. In addition, this alteration is predicted to be tolerated by in silico analysis. Since supporting evidence is limited at this time, the clinical significance of this alteration remains unclear.